The following is an entry in ClinVar:

ClinVar aggregate classification (germline): Pathogenic/Likely pathogenic. Review status: criteria provided, multiple submitters, no conflicts (2 of 4 stars). 2 submissions from 2 submitters: Pathogenic (1); Likely pathogenic (1). Last evaluated 2023-02-22.

Conditions:
Holocarboxylase synthetase deficiency. Also called: MULTIPLE CARBOXYLASE DEFICIENCY, EARLY ONSET. Identifiers: Orphanet 79242, MedGen C0268581, MONDO:0009666, OMIM 253270.

Allele frequency attached by ClinVar (database versions not stated): TOPMed 0.00001.

Submissions (2):

Labcorp Genetics (formerly Invitae), Labcorp
Classification: Pathogenic for Holocarboxylase synthetase deficiency. Last evaluated: 2023-02-22. Review status: criteria provided, single submitter. Criteria: Invitae Variant Classification Sherloc (09022015). Collection method: clinical testing. Allele origin: germline.
Comment: For these reasons, this variant has been classified as Pathogenic. This variant has not been reported in the literature in individuals affected with HLCS-related conditions. This variant is not present in population databases (gnomAD no frequency). This sequence change creates a premature translational stop signal (p.Gln231Argfs*27) in the HLCS gene. It is expected to result in an absent or disrupted protein product. Loss-of-function variants in HLCS are known to be pathogenic (PMID: 16134170).

Baylor Genetics
Classification: Likely pathogenic for Holocarboxylase synthetase deficiency. Last evaluated: 2022-05-12. Review status: criteria provided, single submitter. Criteria: ACMG Guidelines, 2015. Collection method: clinical testing. Allele origin: unknown.

Literature cited by the submitters: PubMed 16134170 (cited by Labcorp Genetics (formerly Invitae), Labcorp).

NM_001352514.2(HLCS):c.1133del (p.Gln378fs)

Gene: HLCS (holocarboxylase synthetase; minus strand). Cytogenetic location: 21q22.13.
Variant type: Deletion.
Coding change: c.1133del on transcript NM_001352514.2 (MANE Select); coding-DNA position 1133, one base deleted (A; older notation c.1133delA).
Protein change: p.Gln378fs; shifts the reading frame from glutamine 378.
Molecular consequence: frameshift variant. On other transcripts: non-coding transcript variant (2).
Genome position (GRCh38, 1-based): chr21:36,936,753, T deleted on the plus strand (A on the coding strand, the reverse complement: HLCS is on the minus strand). VCF-style (leftmost placement, unchanged base first): chr21-36936752-CT-C. GRCh37 (hg19) VCF-style: chr21-38309052-CT-C.
Other names: c.692del, p.Gln231fs (NM_000411.8, NM_001242784.3, NM_001242785.2 and 4 more transcripts); short protein forms Q231fs, Q378fs.
Identifiers: ClinVar variation 2676024 (VCV002676024.4), dbSNP rs2066903607, ClinGen allele CA2388236919.